The following is an entry in ClinVar:

NM_000537.4(REN):c.1116G>A (p.Pro372=)

Gene: REN (renin; minus strand). Cytogenetic location: 1q32.1.
Variant type: single nucleotide variant.
Coding change: c.1116G>A on transcript NM_000537.4 (MANE Select); coding-DNA position 1116, G replaced by A.
Protein change: p.Pro372=; no amino-acid change (proline 372 retained).
Molecular consequence: synonymous variant.
Genome position (GRCh38, 1-based): chr1:204,155,121, C>T on the plus strand (G>A on the coding strand, the complement: REN is on the minus strand). VCF-style: chr1-204155121-C-T. GRCh37 (hg19) VCF-style: chr1-204124249-C-T.
Other names: c.1116G>A (NM_000537.3).
Identifiers: ClinVar variation 3021976 (VCV003021976.4), dbSNP rs142924122, ClinGen allele CA1344649.

ClinVar aggregate classification (germline): Likely benign. Review status: criteria provided, multiple submitters, no conflicts (2 of 4 stars). 2 submissions from 2 submitters: Likely benign (2). Last evaluated 2025-09-05.

Conditions:
REN-related disorder. Also called: REN-related condition.

Allele frequency attached by ClinVar (database versions not stated): ExAC 0.00001; gnomAD exomes 0.00001; gnomAD 0.00004; TOPMed 0.00004; ESP Exome Variant Server 0.00008; 1000 Genomes Project 30x 0.00016.

Submissions (2):

PreventionGenetics, part of Exact Sciences
Classification: Likely benign for REN-related condition. Last evaluated: 2025-09-05. Review status: criteria provided, single submitter. Criteria: ACMG Guidelines, 2015. Collection method: clinical testing. Allele origin: germline.
Comment: This variant is classified as likely benign based on ACMG/AMP sequence variant interpretation guidelines (Richards et al. 2015 PMID: 25741868, with internal and published modifications).

Labcorp Genetics (formerly Invitae), Labcorp
Classification: Likely benign. Last evaluated: 2023-10-29. Review status: criteria provided, single submitter. Criteria: Invitae Variant Classification Sherloc (09022015). Collection method: clinical testing. Allele origin: germline.